The following is an entry in ClinVar:

ClinVar aggregate classification (germline): Uncertain significance (1 of 4 stars; one submission).

Allele frequency attached by ClinVar (database versions not stated): TOPMed below 0.00001; 1000 Genomes Project 30x 0.00016.

Submission:

Labcorp Genetics (formerly Invitae), Labcorp
Classification: Uncertain significance. Last evaluated: 2022-04-25. Review status: criteria provided, single submitter. Criteria: Invitae Variant Classification Sherloc (09022015). Collection method: clinical testing. Allele origin: germline.
Comment: In summary, the available evidence is currently insufficient to determine the role of this variant in disease. Therefore, it has been classified as a Variant of Uncertain Significance. Algorithms developed to predict the effect of missense changes on protein structure and function are either unavailable or do not agree on the potential impact of this missense change (SIFT: "Deleterious"; PolyPhen-2: "Possibly Damaging"; Align-GVGD: "Class C0"). This variant is not present in population databases (gnomAD no frequency). This variant has not been reported in the literature in individuals affected with HACD1-related conditions. This sequence change replaces leucine, which is neutral and non-polar, with proline, which is neutral and non-polar, at codon 4 of the HACD1 protein (p.Leu4Pro).

NM_014241.4(HACD1):c.11T>C (p.Leu4Pro)

Genes: HACD1 (3-hydroxyacyl-CoA dehydratase 1; minus strand), LOC130003454 (ATAC-STARR-seq lymphoblastoid silent region 2183; plus strand). Cytogenetic location: 10p12.33.
Variant type: single nucleotide variant.
Coding change: c.11T>C on transcript NM_014241.4 (MANE Select); coding-DNA position 11, T replaced by C.
Protein change: p.Leu4Pro; replaces leucine 4 with proline.
Molecular consequence: missense variant.
Genome position (GRCh38, 1-based): chr10:17,617,329, A>G on the plus strand (T>C on the coding strand, the complement: HACD1 is on the minus strand). VCF-style: chr10-17617329-A-G. GRCh37 (hg19) VCF-style: chr10-17659328-A-G.
Other names: short protein forms L4P.
Identifiers: ClinVar variation 2082078 (VCV002082078.4), dbSNP rs540173145, ClinGen allele CA376209308.
Genomic context (GRCh38, chr10:17,617,329, plus strand): 5'-GGAGGGGACCCTGCCCAGCCTGCAGCCCGAGAGCCGCTGCCCGCTGCCGCCGCTTCCGTC[A>G]GGCGCCCCATGTGCAGCGCGCAGGGGGCTCGGCGCAGCCAGCTCTACCGACCGCGAGGGG-3'
Protein context (NP_055056.3, residues 1-14): MGR[Leu4Pro]TEAAAAGSGS